The following is an entry in ClinVar:

NM_001079520.2(DACT1):c.1978G>A (p.Gly660Ser)

Gene: DACT1 (dishevelled binding antagonist of beta catenin 1; plus strand). Cytogenetic location: 14q23.1.
Variant type: single nucleotide variant.
Coding change: c.1978G>A on transcript NM_001079520.2 (MANE Select); coding-DNA position 1978, G replaced by A.
Protein change: p.Gly660Ser; replaces glycine 660 with serine.
Molecular consequence: missense variant. On other transcripts: non-coding transcript variant (5).
Genome position (GRCh38, 1-based): chr14:58,646,712, G>A. VCF-style: chr14-58646712-G-A. GRCh37 (hg19) VCF-style: chr14-59113430-G-A.
Other names: c.2089G>A, p.Gly697Ser (NM_016651.6); short protein forms G660S, G697S.
Identifiers: ClinVar variation 1257885 (VCV001257885.6), dbSNP rs698025, ClinGen allele CA7206963.

ClinVar aggregate classification (germline): Benign. Review status: criteria provided, multiple submitters, no conflicts (2 of 4 stars). 4 submissions from 4 submitters: Benign (3). 1 of the submissions does not count toward it. Last evaluated 2024-11-27.

Conditions:
DACT1-related disorder. Also called: DACT1-related condition.

Allele frequency attached by ClinVar (database versions not stated): ExAC 0.23251; ESP Exome Variant Server 0.24769; gnomAD 0.25336 and 0.25613; TOPMed 0.26914; 1000 Genomes Project 0.27017; 1000 Genomes Project 30x 0.27514.
gnomAD v4.1: 326,378 of 1,612,976 alleles (20%); highest among the groups gnomAD compares: African/African-American, 38%; 35,862 homozygotes.

Submissions (4):

Blueprint Genetics
Classification: Benign. Last evaluated: 2024-11-27. Review status: criteria provided, single submitter. Criteria: ACMG Guidelines, 2015. Collection method: clinical testing. Allele origin: germline.

GeneDx
Classification: Benign. Last evaluated: 2019-03-13. Review status: criteria provided, single submitter. Criteria: GeneDx Variant Classification Process June 2021. Collection method: clinical testing. Allele origin: germline. Affected: yes.

Breakthrough Genomics
Classification: Benign. Review status: criteria provided, single submitter. Criteria: ACMG Guidelines, 2015. Collection method: not provided. Allele origin: germline. Inheritance: Autosomal dominant inheritance. Affected: yes.

PreventionGenetics, part of Exact Sciences
Classification: Benign for DACT1-related condition. Last evaluated: 2019-11-12. Review status: no assertion criteria provided. Collection method: clinical testing. Allele origin: germline. Not counted in ClinVar's aggregate classification.
Comment: This variant is classified as benign based on ACMG/AMP sequence variant interpretation guidelines (Richards et al. 2015 PMID: 25741868, with internal and published modifications).